The following is an entry in ClinVar:

ClinVar aggregate classification (germline): Uncertain significance (1 of 4 stars; one submission).

Conditions:
Hereditary cancer-predisposing syndrome. Also called: Neoplastic Syndromes, Hereditary; Tumor predisposition; Hereditary Cancer Syndrome; Hereditary neoplastic syndrome. Identifiers: Orphanet 140162, MedGen C0027672, MeSH D009386, MONDO:0015356.

Submission:

Ambry Genetics
Classification: Uncertain significance for Hereditary cancer-predisposing syndrome. Last evaluated: 2026-04-13. Review status: criteria provided, single submitter. Criteria: Ambry Variant Classification Scheme 2023. Collection method: clinical testing. Allele origin: germline.
Comment: The p.N386I variant (also known as c.1157A>T), located in coding exon 10 of the SMARCE1 gene, results from an A to T substitution at nucleotide position 1157. The asparagine at codon 386 is replaced by isoleucine, an amino acid with dissimilar properties. This amino acid position is conserved. In addition, this alteration is predicted to be tolerated by in silico analysis. Based on the available evidence, the clinical significance of this variant remains unclear.

NM_003079.5(SMARCE1):c.1157A>T (p.Asn386Ile)

Gene: SMARCE1 (SWI/SNF related BAF chromatin remodeling complex subunit E1; minus strand). Cytogenetic location: 17q21.2.
Variant type: single nucleotide variant.
Coding change: c.1157A>T on transcript NM_003079.5 (MANE Select); coding-DNA position 1157, A replaced by T.
Protein change: p.Asn386Ile; replaces asparagine 386 with isoleucine.
Molecular consequence: missense variant.
Genome position (GRCh38, 1-based): chr17:40,628,864, T>A on the plus strand (A>T on the coding strand, the complement: SMARCE1 is on the minus strand). VCF-style: chr17-40628864-T-A. GRCh37 (hg19) VCF-style: chr17-38785116-T-A.
Other names: short protein forms N386I.
Identifiers: ClinVar variation 4864864 (VCV004864864.1).